The following is an entry in ClinVar:

ClinVar aggregate classification (germline): Uncertain significance (1 of 4 stars; one submission).

Conditions:
Cardiovascular phenotype. Identifiers: MedGen CN230736.

gnomAD v4.1: 12 of 1,614,100 alleles (0.00074%); highest among the groups gnomAD compares: South Asian, 0.0055%; no homozygotes.

Submission:

Ambry Genetics
Classification: Uncertain significance for Cardiovascular phenotype. Last evaluated: 2026-02-19. Review status: criteria provided, single submitter. Criteria: Ambry Variant Classification Scheme 2023. Collection method: clinical testing. Allele origin: germline.
Comment: The p.A438T variant (also known as c.1312G>A), located in coding exon 9 of the ABCG5 gene, results from a G to A substitution at nucleotide position 1312. The alanine at codon 438 is replaced by threonine, an amino acid with similar properties. This amino acid position is conserved. In addition, this alteration is predicted to be deleterious by in silico analysis. Based on the available evidence, the clinical significance of this variant remains unclear.

NM_022436.3(ABCG5):c.1312G>A (p.Ala438Thr)

Genes: ABCG5 (ATP binding cassette subfamily G member 5; minus strand), DYNC2LI1 (dynein cytoplasmic 2 light intermediate chain 1; plus strand). Cytogenetic location: 2p21.
Variant type: single nucleotide variant.
Coding change: c.1312G>A on transcript NM_022436.3 (MANE Select); coding-DNA position 1312, G replaced by A.
Protein change: p.Ala438Thr; replaces alanine 438 with threonine.
Molecular consequence: missense variant. On other transcripts: intron variant (2).
Genome position (GRCh38, 1-based): chr2:43,823,925, C>T on the plus strand (G>A on the coding strand, the complement: ABCG5 is on the minus strand). VCF-style: chr2-43823925-C-T. GRCh37 (hg19) VCF-style: chr2-44051064-C-T.
Other names: c.*16-3461C>T (NM_001348913.2, NM_001348912.2); short protein forms A438T.
Identifiers: ClinVar variation 4824049 (VCV004824049.1).